The following is an entry in ClinVar:

ClinVar aggregate classification (germline): Uncertain significance (1 of 4 stars; one submission).

Conditions:
Inborn genetic diseases. Identifiers: MedGen C0950123, MeSH D030342.

Submission:

Ambry Genetics
Classification: Uncertain significance for Inborn genetic diseases. Last evaluated: 2025-02-06. Review status: criteria provided, single submitter. Criteria: Ambry Variant Classification Scheme 2023. Collection method: clinical testing. Allele origin: germline.
Comment: The p.D1145E variant (also known as c.3435C>A), located in coding exon 14 of the FANCM gene, results from a C to A substitution at nucleotide position 3435. The aspartic acid at codon 1145 is replaced by glutamic acid, an amino acid with highly similar properties. This amino acid position is conserved. In addition, this alteration is predicted to be tolerated by in silico analysis. Based on the available evidence, the clinical significance of this variant remains unclear.

NM_020937.4(FANCM):c.3435C>A (p.Asp1145Glu)

Gene: FANCM (FA complementation group M; plus strand). Cytogenetic location: 14q21.2.
Variant type: single nucleotide variant.
Coding change: c.3435C>A on transcript NM_020937.4 (MANE Select); coding-DNA position 3435, C replaced by A.
Protein change: p.Asp1145Glu; replaces aspartic acid 1145 with glutamic acid.
Molecular consequence: missense variant.
Genome position (GRCh38, 1-based): chr14:45,176,189, C>A. VCF-style: chr14-45176189-C-A. GRCh37 (hg19) VCF-style: chr14-45645392-C-A.
Other names: c.3357C>A, p.Asp1119Glu (NM_001308133.2); short protein forms D1145E, D1119E.
Identifiers: ClinVar variation 3848705 (VCV003848705.1).